The following is an entry in ClinVar:

NM_000528.4(MAN2B1):c.2161G>A (p.Val721Met)

Gene: MAN2B1 (mannosidase alpha class 2B member 1; minus strand). Cytogenetic location: 19p13.13.
Variant type: single nucleotide variant.
Coding change: c.2161G>A on transcript NM_000528.4 (MANE Select); coding-DNA position 2161, G replaced by A.
Protein change: p.Val721Met; replaces valine 721 with methionine.
Molecular consequence: missense variant.
Genome position (GRCh38, 1-based): chr19:12,650,108, C>T on the plus strand (G>A on the coding strand, the complement: MAN2B1 is on the minus strand). VCF-style: chr19-12650108-C-T. GRCh37 (hg19) VCF-style: chr19-12760922-C-T.
Other names: c.2158G>A, p.Val720Met (NM_001173498.2); short protein forms V721M, V720M.
Identifiers: ClinVar variation 439875 (VCV000439875.43), dbSNP rs148134639, ClinGen allele CA9226188.

ClinVar aggregate classification (germline): Uncertain significance. Review status: criteria provided, multiple submitters, no conflicts (2 of 4 stars). 8 submissions from 8 submitters: Uncertain significance (6). 2 of the submissions do not count toward it. Last evaluated 2025-12-10.

Conditions:
MAN2B1-related disorder. Also called: MAN2B1-related condition.
Inborn genetic diseases. Identifiers: MedGen C0950123, MeSH D030342.
Deficiency of alpha-mannosidase (MANSA). Also called: Mannosidosis, alpha-, types I and II; Alpha-Mannosidosis; LYSOSOMAL ALPHA-D-MANNOSIDASE DEFICIENCY. Identifiers: Orphanet 61, MedGen C0024748, MONDO:0009561, OMIM 248500.
Intellectual disability. Also called: intellectual disabilities; Intellectual functioning disability; Intellectual developmental disorder. Identifiers: MedGen C3714756, MeSH D008607, MONDO:0001071, HP:0001249.

Allele frequency attached by ClinVar (database versions not stated): ExAC 0.00007; TOPMed 0.00011; gnomAD 0.00012; gnomAD exomes 0.00012 and 0.00024; ESP Exome Variant Server 0.00015.
gnomAD v4.1: 364 of 1,613,838 alleles (0.023%); highest among the groups gnomAD compares: Non-Finnish European, 0.029%; no homozygotes.

Submissions (8):

PreventionGenetics, part of Exact Sciences
Classification: Uncertain significance for MAN2B1-related condition. Last evaluated: 2025-12-10. Review status: criteria provided, single submitter. Criteria: ACMG Guidelines, 2015. Collection method: clinical testing. Allele origin: germline.
Comment: The MAN2B1 c.2161G>A variant is predicted to result in the amino acid substitution p.Val721Met. To our knowledge, this variant has not been reported in the literature. This variant is reported in 0.019% of alleles in individuals of European (Non-Finnish) descent in gnomAD. At this time, the clinical significance of this variant is uncertain due to the absence of conclusive functional and genetic evidence.

CeGaT Center for Human Genetics Tuebingen
Classification: Uncertain significance. Last evaluated: 2023-06-01. Review status: criteria provided, single submitter. Criteria: CeGaT Center For Human Genetics Tuebingen Variant Classification Criteria Version 2. Collection method: clinical testing. Allele origin: germline. Affected: yes. Observed: 2 variant alleles.
Comment: MAN2B1: PP4:Moderate, PM2:Supporting, PM3:Supporting, BP4

Women's Health and Genetics/Laboratory Corporation of America, LabCorp
Classification: Uncertain significance. Last evaluated: 2023-05-09. Review status: criteria provided, single submitter. Criteria: LabCorp Variant Classification Summary - May 2015. Collection method: clinical testing. Allele origin: germline.
Comment: Variant summary: MAN2B1 c.2161G>A (p.Val721Met) results in a conservative amino acid change located in the Glycosyl hydrolase family 38, C-terminal (IPR000602) of the encoded protein sequence. Four of five in-silico tools predict a benign effect of the variant on protein function. The variant allele was found at a frequency of 0.00012 in 251456 control chromosomes. This frequency is not significantly higher than estimated for a pathogenic variant in MAN2B1 causing Alpha-Mannosidosis (0.00012 vs 0.0016), allowing no conclusion about variant significance. To our knowledge, no occurrence of c.2161G>A in individuals affected with Alpha-Mannosidosis and no experimental evidence demonstrating its impact on protein function have been reported. Four clinical diagnostic laboratories have submitted clinical-significance assessments for this variant to ClinVar after 2014 and classified as VUS (n=3) and likely benign (n=1). Based on the evidence outlined above, the variant was classified as uncertain significance.

Labcorp Genetics (formerly Invitae), Labcorp
Classification: Uncertain significance for Deficiency of alpha-mannosidase. Last evaluated: 2022-10-24. Review status: criteria provided, single submitter. Criteria: Invitae Variant Classification Sherloc (09022015). Collection method: clinical testing. Allele origin: germline.
Comment: This sequence change replaces valine, which is neutral and non-polar, with methionine, which is neutral and non-polar, at codon 721 of the MAN2B1 protein (p.Val721Met). This variant is present in population databases (rs148134639, gnomAD 0.02%). This variant has not been reported in the literature in individuals affected with MAN2B1-related conditions. ClinVar contains an entry for this variant (Variation ID: 439875). Advanced modeling of protein sequence and biophysical properties (such as structural, functional, and spatial information, amino acid conservation, physicochemical variation, residue mobility, and thermodynamic stability) performed at Invitae indicates that this missense variant is not expected to disrupt MAN2B1 protein function. In summary, the available evidence is currently insufficient to determine the role of this variant in disease. Therefore, it has been classified as a Variant of Uncertain Significance.

Ambry Genetics
Classification: Uncertain significance for Inborn genetic diseases. Last evaluated: 2022-06-17. Review status: criteria provided, single submitter. Criteria: Ambry Variant Classification Scheme 2023. Collection method: clinical testing. Allele origin: germline.

ARUP Laboratories, Molecular Genetics and Genomics, ARUP Laboratories
Classification: Uncertain significance. Last evaluated: 2016-10-12. Review status: criteria provided, single submitter. Criteria: ARUP Molecular Germline Variant Investigation Process. Collection method: clinical testing. Allele origin: germline.

Natera, Inc.
Classification: Uncertain significance for Alpha-mannosidosis. Last evaluated: 2019-11-11. Review status: no assertion criteria provided. Collection method: clinical testing. Allele origin: germline. Not counted in ClinVar's aggregate classification.

Centre de Biologie Pathologie Génétique, Centre Hospitalier Universitaire de Lille
Classification: Likely benign for Intellectual disability. Last evaluated: 2019-01-01. Review status: no assertion criteria provided. Collection method: clinical testing. Allele origin: inherited. Affected: yes. Not counted in ClinVar's aggregate classification.